The following is an entry in ClinVar:

ClinVar aggregate classification (germline): Likely benign. Review status: criteria provided, multiple submitters, no conflicts (2 of 4 stars). 4 submissions from 4 submitters: Likely benign (4). Last evaluated 2026-01-11.

Conditions:
Inborn genetic diseases. Identifiers: MedGen C0950123, MeSH D030342.
Developmental and epileptic encephalopathy, 30 (DEE30). Also called: Epileptic encephalopathy, early infantile, 30. Identifiers: MedGen C4225360, MONDO:0014595, OMIM 616341.

Allele frequency attached by ClinVar (database versions not stated): gnomAD 0.00003; gnomAD exomes 0.00004; TOPMed 0.00005; ExAC 0.00010; ESP Exome Variant Server 0.00016.

Submissions (4):

Labcorp Genetics (formerly Invitae), Labcorp
Classification: Likely benign for Developmental and epileptic encephalopathy, 30. Last evaluated: 2026-01-11. Review status: criteria provided, single submitter. Criteria: Invitae Variant Classification Sherloc (09022015). Collection method: clinical testing. Allele origin: germline.

CeGaT Center for Human Genetics Tuebingen
Classification: Likely benign. Last evaluated: 2022-04-01. Review status: criteria provided, single submitter. Criteria: CeGaT Center For Human Genetics Tuebingen Variant Classification Criteria Version 2. Collection method: clinical testing. Allele origin: germline. Affected: yes. Observed: 1 variant allele.
Comment: SIK1: BP4, BP7

Blueprint Genetics
Classification: Likely benign. Last evaluated: 2020-11-05. Review status: criteria provided, single submitter. Criteria: ACMG Guidelines, 2015. Collection method: clinical testing. Allele origin: germline.

Ambry Genetics
Classification: Likely benign for Inborn genetic diseases. Last evaluated: 2017-03-29. Review status: criteria provided, single submitter. Criteria: Ambry Variant Classification Scheme 2023. Collection method: clinical testing. Allele origin: germline.

NM_173354.5(SIK1):c.2217C>T (p.Thr739=)

Gene: SIK1 (salt inducible kinase 1; minus strand). Cytogenetic location: 21q22.3.
Variant type: single nucleotide variant.
Coding change: c.2217C>T on transcript NM_173354.5 (MANE Select); coding-DNA position 2217, C replaced by T.
Protein change: p.Thr739=; no amino-acid change (threonine 739 retained).
Molecular consequence: synonymous variant.
Genome position (GRCh38, 1-based): chr21:43,416,877, G>A on the plus strand (C>T on the coding strand, the complement: SIK1 is on the minus strand). VCF-style: chr21-43416877-G-A. GRCh37 (hg19) VCF-style: chr21-44836757-G-A.
Identifiers: ClinVar variation 588900 (VCV000588900.40), dbSNP rs112091900, ClinGen allele CA321324326.